The following is an entry in ClinVar:

NM_133497.4(KCNV2):c.417C>A (p.Cys139Ter)

Gene: KCNV2 (potassium voltage-gated channel modifier subfamily V member 2; plus strand). Cytogenetic location: 9p24.2.
Variant type: single nucleotide variant.
Coding change: c.417C>A on transcript NM_133497.4 (MANE Select); coding-DNA position 417, C replaced by A.
Protein change: p.Cys139Ter; replaces cysteine 139 with a stop codon.
Molecular consequence: nonsense.
Genome position (GRCh38, 1-based): chr9:2,718,156, C>A. VCF-style: chr9-2718156-C-A. GRCh37 (hg19) VCF-style: chr9-2718156-C-A.
Other names: short protein forms C139*.
Identifiers: ClinVar variation 849612 (VCV000849612.18), dbSNP rs748280472, ClinGen allele CA4965440.
Genomic context (GRCh38, chr9:2,718,156, plus strand): 5'-CAAGACGCGCCTAGGTCGCCTGGCCACCTCCACCAGCCGCAGCCGCCAGCTAAGCCTGTG[C>A]GACGACTACGAGGAGCAGACAGACGAATACTTCTTCGACCGCGACCCGGCCGTCTTCCAG-3'

ClinVar aggregate classification (germline): Pathogenic. Review status: criteria provided, multiple submitters, no conflicts (2 of 4 stars). 5 submissions from 5 submitters: Pathogenic (4). 1 of the submissions does not count toward it. Last evaluated 2025-10-15.

Conditions:
Cone dystrophy with supernormal rod response (CDSRR). Also called: CONE DYSTROPHY WITH SUPERNORMAL ROD RESPONSES. Identifiers: Orphanet 209932, MedGen C1835897, MONDO:0012475, OMIM 610356.
KCNV2-related disorder. Also called: KCNV2-related condition.

Allele frequency attached by ClinVar (database versions not stated): TOPMed 0.00004.
gnomAD v4.1: 11 of 1,611,562 alleles (0.00068%); highest among the groups gnomAD compares: Non-Finnish European, 0.00085%; no homozygotes.

Submissions (5):

Labcorp Genetics (formerly Invitae), Labcorp
Classification: Pathogenic. Last evaluated: 2025-10-15. Review status: criteria provided, single submitter. Criteria: Invitae Variant Classification Sherloc (09022015). Collection method: clinical testing. Allele origin: germline.
Comment: This sequence change creates a premature translational stop signal (p.Cys139*) in the KCNV2 gene. It is expected to result in an absent or disrupted protein product. Loss-of-function variants in KCNV2 are known to be pathogenic (PMID: 16909397, 18235024). This variant is present in population databases (rs748280472, gnomAD 0.002%). This premature translational stop signal has been observed in individual(s) with KCNV2-related conditions (PMID: 38219857). ClinVar contains an entry for this variant (Variation ID: 849612). For these reasons, this variant has been classified as Pathogenic.

PreventionGenetics, part of Exact Sciences
Classification: Pathogenic for KCNV2-related condition. Last evaluated: 2025-03-12. Review status: criteria provided, single submitter. Criteria: ACMG Guidelines, 2015. Collection method: clinical testing. Allele origin: germline.
Comment: The KCNV2 c.417C>A variant is predicted to result in premature protein termination (p.Cys139*). This variant was reported in an individual with retinopathy (Lin et al. 2024. PubMed ID: 38219857). This variant is reported in 0.0018% of alleles in individuals of European (Non-Finnish) descent in gnomAD. Nonsense variants in KCNV2 are expected to be pathogenic. This variant is interpreted as pathogenic.

Blueprint Genetics
Classification: Pathogenic for KCNV2-related disorders. Last evaluated: 2024-11-15. Review status: criteria provided, single submitter. Criteria: ACMG Guidelines, 2015. Collection method: clinical testing. Allele origin: germline. Affected: yes. Observed: 2 variant alleles.

GeneDx
Classification: Pathogenic. Last evaluated: 2020-07-10. Review status: criteria provided, single submitter. Criteria: GeneDx Variant Classification Process June 2021. Collection method: clinical testing. Allele origin: germline. Affected: yes.
Comment: Has not been previously published as pathogenic or benign to our knowledge; Nonsense variant predicted to result in protein truncation or nonsense mediated decay in a gene for which loss-of-function is a known mechanism of disease; Not observed at a significant frequency in large population cohorts (Lek et al., 2016)

Genomics England Pilot Project, Genomics England
Classification: Likely pathogenic for Cone dystrophy with supernormal rod response. Review status: no assertion criteria provided. Criteria: ACGS Guidelines, 2016. Collection method: clinical testing. Allele origin: germline. Affected: yes. Not counted in ClinVar's aggregate classification.

Literature cited by the submitters: PubMed 16909397 (cited by Labcorp Genetics (formerly Invitae), Labcorp); PubMed 18235024 (cited by Labcorp Genetics (formerly Invitae), Labcorp); PubMed 38219857 (cited by Labcorp Genetics (formerly Invitae), Labcorp).